The following is an entry in ClinVar:

NM_016417.3(GLRX5):c.435C>T (p.Ser145=)

Gene: GLRX5 (glutaredoxin 5; plus strand). Cytogenetic location: 14q32.13.
Variant type: single nucleotide variant.
Coding change: c.435C>T on transcript NM_016417.3 (MANE Select); coding-DNA position 435, C replaced by T.
Protein change: p.Ser145=; no amino-acid change (serine 145 retained).
Molecular consequence: synonymous variant.
Genome position (GRCh38, 1-based): chr14:95,544,086, C>T. VCF-style: chr14-95544086-C-T. GRCh37 (hg19) VCF-style: chr14-96010423-C-T.
Identifiers: ClinVar variation 380169 (VCV000380169.33), dbSNP rs141867720, ClinGen allele CA7333963.

ClinVar aggregate classification (germline): Likely benign. Review status: criteria provided, multiple submitters, no conflicts (2 of 4 stars). 4 submissions from 4 submitters: Likely benign (4). Last evaluated 2026-07-01.

Allele frequency attached by ClinVar (database versions not stated): ExAC 0.00011; gnomAD exomes 0.00013 and 0.00021; TOPMed 0.00017; gnomAD 0.00026 and 0.00028; ESP Exome Variant Server 0.00031.
gnomAD v4.1: 330 of 1,613,952 alleles (0.02%); highest among the groups gnomAD compares: Non-Finnish European, 0.026%; no homozygotes.

Submissions (4):

CeGaT Center for Human Genetics Tuebingen
Classification: Likely benign. Last evaluated: 2026-07-01. Review status: criteria provided, single submitter. Criteria: CeGaT Center For Human Genetics Tuebingen Variant Classification Criteria Version 2. Collection method: clinical testing. Allele origin: germline. Affected: yes. Observed: 5 variant alleles.
Comment: GLRX5: BP4, BP7

Labcorp Genetics (formerly Invitae), Labcorp
Classification: Likely benign. Last evaluated: 2025-09-18. Review status: criteria provided, single submitter. Criteria: Invitae Variant Classification Sherloc (09022015). Collection method: clinical testing. Allele origin: germline.

Blueprint Genetics
Classification: Likely benign. Last evaluated: 2024-06-10. Review status: criteria provided, single submitter. Criteria: ACMG Guidelines, 2015. Collection method: clinical testing. Allele origin: germline.

GeneDx
Classification: Likely benign. Last evaluated: 2016-12-08. Review status: criteria provided, single submitter. Criteria: GeneDx Variant Classification (06012015). Collection method: clinical testing. Allele origin: germline. Affected: yes.
Comment: This variant is considered likely benign or benign based on one or more of the following criteria: it is a conservative change, it occurs at a poorly conserved position in the protein, it is predicted to be benign by multiple in silico algorithms, and/or has population frequency not consistent with disease.